The following is an entry in ClinVar:

ClinVar aggregate classification (germline): Uncertain significance. Review status: criteria provided, multiple submitters, no conflicts (2 of 4 stars). 2 submissions from 2 submitters: Uncertain significance (2). Last evaluated 2024-08-22.

Conditions:
Inborn genetic diseases. Identifiers: MedGen C0950123, MeSH D030342.
2-aminoadipic 2-oxoadipic aciduria (AAKAD). Also called: Aminoadipic aciduria; ALPHA-AMINOADIPIC AND ALPHA-KETOADIPIC ACIDURIA. Identifiers: Orphanet 79154, MedGen C1859817, MONDO:0008774, OMIM 204750.

Submissions (2):

Labcorp Genetics (formerly Invitae), Labcorp
Classification: Uncertain significance for 2-aminoadipic 2-oxoadipic aciduria. Last evaluated: 2024-08-22. Review status: criteria provided, single submitter. Criteria: Invitae Variant Classification Sherloc (09022015). Collection method: clinical testing. Allele origin: germline.
Comment: This sequence change replaces arginine, which is basic and polar, with leucine, which is neutral and non-polar, at codon 420 of the DHTKD1 protein (p.Arg420Leu). This variant is present in population databases (no rsID available, gnomAD 0.005%). This variant has not been reported in the literature in individuals affected with DHTKD1-related conditions. ClinVar contains an entry for this variant (Variation ID: 2547108). Invitae Evidence Modeling of protein sequence and biophysical properties (such as structural, functional, and spatial information, amino acid conservation, physicochemical variation, residue mobility, and thermodynamic stability) indicates that this missense variant is not expected to disrupt DHTKD1 protein function with a negative predictive value of 80%. In summary, the available evidence is currently insufficient to determine the role of this variant in disease. Therefore, it has been classified as a Variant of Uncertain Significance.

Ambry Genetics
Classification: Uncertain significance for Inborn genetic diseases. Last evaluated: 2023-05-17. Review status: criteria provided, single submitter. Criteria: Ambry Variant Classification Scheme 2023. Collection method: clinical testing. Allele origin: germline.

NM_018706.7(DHTKD1):c.1259G>T (p.Arg420Leu)

Gene: DHTKD1 (dehydrogenase E1 and transketolase domain containing 1; plus strand). Cytogenetic location: 10p14.
Variant type: single nucleotide variant.
Coding change: c.1259G>T on transcript NM_018706.7 (MANE Select); coding-DNA position 1259, G replaced by T.
Protein change: p.Arg420Leu; replaces arginine 420 with leucine.
Molecular consequence: missense variant.
Genome position (GRCh38, 1-based): chr10:12,094,172, G>T. VCF-style: chr10-12094172-G-T. GRCh37 (hg19) VCF-style: chr10-12136171-G-T.
Other names: short protein forms R420L.
Identifiers: ClinVar variation 2547108 (VCV002547108.4), dbSNP rs200039178, ClinGen allele CA376020222.
Genomic context (GRCh38, chr10:12,094,172, plus strand): 5'-ACAGCCCAGAGGAAGTGGTCCGTGCCACACGACTGGCTTTTGAATACCAACGCCAGTTCC[G>T]CAAGGATGTGATTATTGATCTGTTGTGCTACAGGCAGTGGGGCCACAATGAGCTGGATGA-3'
Protein context (NP_061176.4, residues 410-430): RLAFEYQRQF[Arg420Leu]KDVIIDLLCY